The following is an entry in ClinVar:

ClinVar aggregate classification (germline): Uncertain significance. Review status: criteria provided, multiple submitters, no conflicts (2 of 4 stars). 5 submissions from 5 submitters: Uncertain significance (5). Last evaluated 2026-05-13.

Conditions:
ALPK3-related disorder. Also called: ALPK3-related condition.
Cardiovascular phenotype. Identifiers: MedGen CN230736.

gnomAD v4.1: 8 of 1,614,036 alleles (0.0005%); highest among the groups gnomAD compares: African/African-American, 0.0093%; no homozygotes.

Submissions (5):

PreventionGenetics, part of Exact Sciences
Classification: Uncertain significance for ALPK3-related condition. Last evaluated: 2026-05-13. Review status: criteria provided, single submitter. Criteria: ACMG Guidelines, 2015. Collection method: clinical testing. Allele origin: germline.
Comment: The ALPK3 c.4919C>G variant is predicted to result in the amino acid substitution p.Ser1640Trp. To our knowledge, this variant has not been reported in the literature. This variant is reported in 0.0040% of alleles in individuals of African descent in gnomAD. At this time, the clinical significance of this variant is uncertain due to the absence of conclusive functional and genetic evidence.

Labcorp Genetics (formerly Invitae), Labcorp
Classification: Uncertain significance. Last evaluated: 2025-11-22. Review status: criteria provided, single submitter. Criteria: Invitae Variant Classification Sherloc (09022015). Collection method: clinical testing. Allele origin: germline.
Comment: This sequence change replaces serine, which is neutral and polar, with tryptophan, which is neutral and slightly polar, at codon 1640 of the ALPK3 protein (p.Ser1640Trp). This variant is present in population databases (rs775335205, gnomAD 0.01%). This variant has not been reported in the literature in individuals affected with ALPK3-related conditions. ClinVar contains an entry for this variant (Variation ID: 1744092). Invitae Evidence Modeling of protein sequence and biophysical properties (such as structural, functional, and spatial information, amino acid conservation, physicochemical variation, residue mobility, and thermodynamic stability) indicates that this missense variant is expected to disrupt ALPK3 protein function with a positive predictive value of 80%. In summary, the available evidence is currently insufficient to determine the role of this variant in disease. Therefore, it has been classified as a Variant of Uncertain Significance.

Ambry Genetics
Classification: Uncertain significance for Cardiovascular phenotype. Last evaluated: 2025-06-28. Review status: criteria provided, single submitter. Criteria: Ambry Variant Classification Scheme 2023. Collection method: clinical testing. Allele origin: germline.
Comment: The p.S1640W variant (also known as c.4919C>G), located in coding exon 10 of the ALPK3 gene, results from a C to G substitution at nucleotide position 4919. The serine at codon 1640 is replaced by tryptophan, an amino acid with highly dissimilar properties. This amino acid position is conserved. In addition, this alteration is predicted to be tolerated by in silico analysis. Since supporting evidence is limited at this time, the clinical significance of this alteration remains unclear.

Women's Health and Genetics/Laboratory Corporation of America, LabCorp
Classification: Uncertain significance. Last evaluated: 2024-11-29. Review status: criteria provided, single submitter. Criteria: LabCorp Variant Classification Summary - May 2015. Collection method: clinical testing. Allele origin: germline.

GeneDx
Classification: Uncertain significance. Last evaluated: 2023-07-26. Review status: criteria provided, single submitter. Criteria: GeneDx Variant Classification Process June 2021. Collection method: clinical testing. Allele origin: germline. Affected: yes.
Comment: Not observed at significant frequency in large population cohorts (gnomAD); In silico analysis supports that this missense variant has a deleterious effect on protein structure/function; Has not been previously published as pathogenic or benign to our knowledge

NM_020778.5(ALPK3):c.4313C>G (p.Ser1438Trp)

Gene: ALPK3 (alpha kinase 3; plus strand). Cytogenetic location: 15q25.3.
Variant type: single nucleotide variant.
Coding change: c.4313C>G on transcript NM_020778.5 (MANE Select); coding-DNA position 4313, C replaced by G.
Protein change: p.Ser1438Trp; replaces serine 1438 with tryptophan.
Molecular consequence: missense variant.
Genome position (GRCh38, 1-based): chr15:84,862,818, C>G. VCF-style: chr15-84862818-C-G. GRCh37 (hg19) VCF-style: chr15-85406049-C-G.
Other names: short protein forms S1438W.
Identifiers: ClinVar variation 1744092 (VCV001744092.14), dbSNP rs775335205, ClinGen allele CA7709922.